The following is an entry in ClinVar:

ClinVar aggregate classification (germline): Uncertain significance (1 of 4 stars; one submission).

Conditions:
T-B+ severe combined immunodeficiency due to JAK3 deficiency. Also called: SCID, T CELL-NEGATIVE, B CELL-POSITIVE, NK CELL-NEGATIVE; SCID, autosomal recessive, T-negative/B-positive type. Identifiers: Orphanet 35078, MedGen C1833275, MONDO:0010938, OMIM 600802.

Submission:

Labcorp Genetics (formerly Invitae), Labcorp
Classification: Uncertain significance for T-B+ severe combined immunodeficiency due to JAK3 deficiency. Last evaluated: 2023-06-09. Review status: criteria provided, single submitter. Criteria: Invitae Variant Classification Sherloc (09022015). Collection method: clinical testing. Allele origin: germline.
Comment: In summary, the available evidence is currently insufficient to determine the role of this variant in disease. Therefore, it has been classified as a Variant of Uncertain Significance. Variants that disrupt the consensus splice site are a relatively common cause of aberrant splicing (PMID: 17576681, 9536098). Algorithms developed to predict the effect of sequence changes on RNA splicing suggest that this variant may disrupt the consensus splice site. This variant has not been reported in the literature in individuals affected with JAK3-related conditions. This variant is not present in population databases (gnomAD no frequency). This sequence change falls in intron 3 of the JAK3 gene. It does not directly change the encoded amino acid sequence of the JAK3 protein. It affects a nucleotide within the consensus splice site.

Literature cited by the submitters: PubMed 17576681; PubMed 9536098.

NM_000215.4(JAK3):c.308+5del

Gene: JAK3 (Janus kinase 3; minus strand). Cytogenetic location: 19p13.11.
Variant type: Deletion.
Coding change: c.308+5del on transcript NM_000215.4 (MANE Select); 5 bases into the intron after coding-DNA position 308, one base deleted (G; older notation c.308+5delG).
Molecular consequence: intron variant.
Genome position (GRCh38, 1-based): chr19:17,843,772, C deleted on the plus strand (G on the coding strand, the reverse complement: JAK3 is on the minus strand); the first of 2 consecutive C bases (chr19:17,843,772-17,843,773); deleting either gives the same sequence. VCF-style (leftmost placement, unchanged base first): chr19-17843771-TC-T. GRCh37 (hg19) VCF-style: chr19-17954580-TC-T.
Identifiers: ClinVar variation 3016197 (VCV003016197.3), dbSNP rs2514580413, ClinGen allele CA2583426495.